The following is an entry in ClinVar:

ClinVar aggregate classification (germline): Likely benign (1 of 4 stars; one submission).

Allele frequency attached by ClinVar (database versions not stated): TOPMed 0.00008; ESP Exome Variant Server 0.00015; gnomAD 0.00020; gnomAD exomes 0.00025; 1000 Genomes Project 30x 0.00047; ExAC 0.00047; 1000 Genomes Project 0.00060.
gnomAD v4.1: 410 of 1,612,956 alleles (0.025%); highest among the groups gnomAD compares: South Asian, 0.33%; 9 homozygotes.

Submission:

CeGaT Center for Human Genetics Tuebingen
Classification: Likely benign. Last evaluated: 2024-06-01. Review status: criteria provided, single submitter. Criteria: CeGaT Center For Human Genetics Tuebingen Variant Classification Criteria Version 2. Collection method: clinical testing. Allele origin: germline. Affected: yes. Observed: 1 variant allele.
Comment: HELZ2: BP4, BP7, BS2

NM_001037335.2(HELZ2):c.7251C>T (p.Asp2417=)

Gene: HELZ2 (helicase with zinc finger 2; minus strand). Cytogenetic location: 20q13.33.
Variant type: single nucleotide variant.
Coding change: c.7251C>T on transcript NM_001037335.2 (MANE Select); coding-DNA position 7251, C replaced by T.
Protein change: p.Asp2417=; no amino-acid change (aspartic acid 2417 retained).
Molecular consequence: synonymous variant.
Genome position (GRCh38, 1-based): chr20:63,560,825, G>A on the plus strand (C>T on the coding strand, the complement: HELZ2 is on the minus strand). VCF-style: chr20-63560825-G-A. GRCh37 (hg19) VCF-style: chr20-62192178-G-A.
Other names: c.5544C>T, p.Asp1848= (NM_033405.3).
Identifiers: ClinVar variation 3250555 (VCV003250555.18), dbSNP rs373402164.